The following is an entry in ClinVar:

ClinVar aggregate classification (germline): Uncertain significance (1 of 4 stars; one submission).

Allele frequency attached by ClinVar (database versions not stated): gnomAD exomes 0.00001; TOPMed 0.00001; ExAC 0.00002; ESP Exome Variant Server 0.00008.
gnomAD v4.1: 8 of 1,614,216 alleles (0.0005%); highest among the groups gnomAD compares: African/African-American, 0.004%; no homozygotes.

Submission:

Labcorp Genetics (formerly Invitae), Labcorp
Classification: Uncertain significance. Last evaluated: 2025-06-27. Review status: criteria provided, single submitter. Criteria: Invitae Variant Classification Sherloc (09022015). Collection method: clinical testing. Allele origin: germline.
Comment: This sequence change replaces glutamic acid, which is acidic and polar, with lysine, which is basic and polar, at codon 67 of the COL9A2 protein (p.Glu67Lys). This variant is present in population databases (rs376234058, gnomAD 0.007%). This variant has not been reported in the literature in individuals affected with COL9A2-related conditions. ClinVar contains an entry for this variant (Variation ID: 1018623). Invitae Evidence Modeling of protein sequence and biophysical properties (such as structural, functional, and spatial information, amino acid conservation, physicochemical variation, residue mobility, and thermodynamic stability) indicates that this missense variant is not expected to disrupt COL9A2 protein function with a negative predictive value of 95%. In summary, the available evidence is currently insufficient to determine the role of this variant in disease. Therefore, it has been classified as a Variant of Uncertain Significance.

NM_001852.4(COL9A2):c.199G>A (p.Glu67Lys)

Gene: COL9A2 (collagen type IX alpha 2 chain; minus strand). Cytogenetic location: 1p34.2.
Variant type: single nucleotide variant.
Coding change: c.199G>A on transcript NM_001852.4 (MANE Select); coding-DNA position 199, G replaced by A.
Protein change: p.Glu67Lys; replaces glutamic acid 67 with lysine.
Molecular consequence: missense variant.
Genome position (GRCh38, 1-based): chr1:40,314,255, C>T on the plus strand (G>A on the coding strand, the complement: COL9A2 is on the minus strand). VCF-style: chr1-40314255-C-T. GRCh37 (hg19) VCF-style: chr1-40779927-C-T.
Other names: short protein forms E67K.
Identifiers: ClinVar variation 1018623 (VCV001018623.8), dbSNP rs376234058, ClinGen allele CA792072.